The following is an entry in ClinVar:

NM_003072.5(SMARCA4):c.458C>T (p.Pro153Leu)

Gene: SMARCA4 (SWI/SNF related BAF chromatin remodeling complex subunit ATPase 4; plus strand). Cytogenetic location: 19p13.2.
Variant type: single nucleotide variant.
Coding change: c.458C>T on transcript NM_003072.5 (MANE Select); coding-DNA position 458, C replaced by T.
Protein change: p.Pro153Leu; replaces proline 153 with leucine.
Molecular consequence: missense variant. On other transcripts: non-coding transcript variant (1).
Genome position (GRCh38, 1-based): chr19:10,986,291, C>T. VCF-style: chr19-10986291-C-T. GRCh37 (hg19) VCF-style: chr19-11096967-C-T.
Other names: c.458C>T, p.Pro153Leu (NM_001128844.3, NM_001128845.2, NM_001128846.2 and 5 more transcripts); short protein forms P153L.
Identifiers: ClinVar variation 663612 (VCV000663612.17), dbSNP rs539710314, ClinGen allele CA9203512.

ClinVar aggregate classification (germline): Conflicting classifications of pathogenicity. Review status: criteria provided, conflicting classifications (1 of 4 stars). 5 submissions from 5 submitters: Uncertain significance (3); Likely benign (2). Last evaluated 2026-07-06.

Conditions:
Intellectual disability, autosomal dominant 16 (CSS4). Also called: COFFIN-SIRIS SYNDROME 4. Identifiers: Orphanet 1465, MedGen C3553249, MONDO:0013821, OMIM 614609.
Hereditary cancer-predisposing syndrome. Also called: Hereditary Cancer Syndrome; Hereditary neoplastic syndrome; Neoplastic Syndromes, Hereditary; Tumor predisposition. Identifiers: Orphanet 140162, MedGen C0027672, MeSH D009386, MONDO:0015356.
Rhabdoid tumor predisposition syndrome 2 (RTPS2). Identifiers: Orphanet 231108, Orphanet 69077, MedGen C2750074, MONDO:0013224, OMIM 613325.

Allele frequency attached by ClinVar (database versions not stated): gnomAD exomes 0.00001 and 0.00002; ExAC 0.00003; gnomAD 0.00001; 1000 Genomes Project 30x 0.00016; TOPMed 0.00001; 1000 Genomes Project 0.00020.
gnomAD v4.1: 20 of 1,613,774 alleles (0.0012%); highest among the groups gnomAD compares: East Asian, 0.0045%; no homozygotes.

Submissions (5):

Myriad Genetics, Inc.
Classification: Likely benign for Rhabdoid tumor predisposition syndrome 2. Last evaluated: 2026-07-06. Review status: criteria provided, single submitter. Criteria: Myriad Autosomal Dominant, Autosomal Recessive and X-Linked Classification Criteria (2023). Collection method: clinical testing. Allele origin: unknown.
Comment: This variant is considered likely benign. This variant has been observed at a population frequency that is significantly greater than expected given the associated disease prevalence and penetrance.

Labcorp Genetics (formerly Invitae), Labcorp
Classification: Uncertain significance for Rhabdoid tumor predisposition syndrome 2. Last evaluated: 2025-11-05. Review status: criteria provided, single submitter. Criteria: Invitae Variant Classification Sherloc (09022015). Collection method: clinical testing. Allele origin: germline.
Comment: This sequence change replaces proline, which is neutral and non-polar, with leucine, which is neutral and non-polar, at codon 153 of the SMARCA4 protein (p.Pro153Leu). This variant is present in population databases (rs539710314, gnomAD 0.006%). This missense change has been observed in individual(s) with cancer (PMID: 28873162). ClinVar contains an entry for this variant (Variation ID: 663612). An algorithm developed to predict the effect of missense changes on protein structure and function (PolyPhen-2) suggests that this variant is likely to be tolerated. In summary, the available evidence is currently insufficient to determine the role of this variant in disease. Therefore, it has been classified as a Variant of Uncertain Significance.

Ambry Genetics
Classification: Likely benign for Hereditary cancer-predisposing syndrome. Last evaluated: 2023-03-22. Review status: criteria provided, single submitter. Criteria: Ambry Variant Classification Scheme 2023. Collection method: clinical testing. Allele origin: germline.

Sema4
Classification: Uncertain significance for Hereditary cancer-predisposing syndrome. Last evaluated: 2021-11-23. Review status: criteria provided, single submitter. Criteria: Sema4 Curation Guidelines. Collection method: curation. Allele origin: germline.
Comment: The SMARCA4 c.458C>T (p.P153L) variant has been reported in heterozygosity in at least one individual with advanced cancer (PMID: 28873162). This variant was observed in 1/18366 chromosomes in the East Asian population according to the Genome Aggregation Database (PMID: 32461654), and has been reported in ClinVar (Variation ID: 663612). Functional studies have not been performed, and in silico predictions of the variant's effect on protein function are inconclusive. Based on the current evidence available, this variant is interpreted as a variant of uncertain significance.

Genome-Nilou Lab
Classification: Uncertain significance for Intellectual disability, autosomal dominant 16. Last evaluated: 2021-07-15. Review status: criteria provided, single submitter. Criteria: ACMG Guidelines, 2015. Collection method: clinical testing. Allele origin: germline. Affected: no.

Literature cited by the submitters: PubMed 28873162 (cited by 3 submitters).